The following is an entry in ClinVar:

ClinVar aggregate classification (germline): Uncertain significance (1 of 4 stars; one submission).

Conditions:
Charcot-Marie-Tooth disease type 4. Also called: Charcot-Marie-Tooth, Type 4; Charcot-Marie-Tooth disease, type IV. Identifiers: Orphanet 64749, MedGen C4082197, MONDO:0018995.

Submission:

Labcorp Genetics (formerly Invitae), Labcorp
Classification: Uncertain significance for Charcot-Marie-Tooth disease type 4. Last evaluated: 2022-01-11. Review status: criteria provided, single submitter. Criteria: Invitae Variant Classification Sherloc (09022015). Collection method: clinical testing. Allele origin: germline.
Comment: This sequence change replaces glutamic acid, which is acidic and polar, with aspartic acid, which is acidic and polar, at codon 398 of the FGD4 protein (p.Glu398Asp). This variant is not present in population databases (gnomAD no frequency). This variant has not been reported in the literature in individuals affected with FGD4-related conditions. ClinVar contains an entry for this variant (Variation ID: 948484). Algorithms developed to predict the effect of missense changes on protein structure and function output the following: SIFT: "Deleterious"; PolyPhen-2: "Benign"; Align-GVGD: "Class C35". The aspartic acid amino acid residue is found in multiple mammalian species, which suggests that this missense change does not adversely affect protein function. In summary, the available evidence is currently insufficient to determine the role of this variant in disease. Therefore, it has been classified as a Variant of Uncertain Significance.

NM_001370298.3(FGD4):c.1605G>T (p.Glu535Asp)

Gene: FGD4 (FYVE, RhoGEF and PH domain containing 4; plus strand). Cytogenetic location: 12p11.21.
Variant type: single nucleotide variant.
Coding change: c.1605G>T on transcript NM_001370298.3 (MANE Select); coding-DNA position 1605, G replaced by T.
Protein change: p.Glu535Asp; replaces glutamic acid 535 with aspartic acid.
Molecular consequence: missense variant.
Genome position (GRCh38, 1-based): chr12:32,611,139, G>T. VCF-style: chr12-32611139-G-T. GRCh37 (hg19) VCF-style: chr12-32764073-G-T.
Other names: c.1449G>T, p.Glu483Asp (NM_001304481.2); c.450G>T, p.Glu150Asp (NM_001304483.2); c.162G>T, p.Glu54Asp (NM_001304484.2); c.915G>T, p.Glu305Asp (NM_001330373.2, NM_001330374.2, NM_001384130.1); c.642G>T, p.Glu214Asp (NM_001370297.1); c.1605G>T, p.Glu535Asp (NM_001384126.1); c.1194G>T, p.Glu398Asp (NM_001384127.1, NM_001384128.1, NM_001385118.1 and 1 more transcripts); short protein forms E214D, E305D, E398D, E150D, E483D, E54D, E535D.
Identifiers: ClinVar variation 948484 (VCV000948484.9), dbSNP rs746263549, ClinGen allele CA384360939.